The following is an entry in ClinVar:

ClinVar aggregate classification (germline): Uncertain significance (1 of 4 stars; one submission).

Allele frequency attached by ClinVar (database versions not stated): TOPMed below 0.00001.
gnomAD v4.1: 2 of 1,606,546 alleles (0.00012%); highest among the groups gnomAD compares: East Asian, 0.0023%; no homozygotes.

Submission:

Labcorp Genetics (formerly Invitae), Labcorp
Classification: Uncertain significance. Last evaluated: 2021-11-13. Review status: criteria provided, single submitter. Criteria: Invitae Variant Classification Sherloc (09022015). Collection method: clinical testing. Allele origin: germline.
Comment: This sequence change falls in intron 8 of the AGPS gene. It does not directly change the encoded amino acid sequence of the AGPS protein. This variant is not present in population databases (gnomAD no frequency). This variant has not been reported in the literature in individuals affected with AGPS-related conditions. Algorithms developed to predict the effect of sequence changes on RNA splicing suggest that this variant may create or strengthen a splice site. In summary, the available evidence is currently insufficient to determine the role of this variant in disease. Therefore, it has been classified as a Variant of Uncertain Significance.

NM_003659.4(AGPS):c.871-16A>G

Gene: AGPS (alkylglycerone phosphate synthase; plus strand). Cytogenetic location: 2q31.2.
Variant type: single nucleotide variant.
Coding change: c.871-16A>G on transcript NM_003659.4 (MANE Select); 16 bases into the intron before coding-DNA position 871, A replaced by G.
Molecular consequence: intron variant.
Genome position (GRCh38, 1-based): chr2:177,461,877, A>G. VCF-style: chr2-177461877-A-G. GRCh37 (hg19) VCF-style: chr2-178326605-A-G.
Identifiers: ClinVar variation 1516000 (VCV001516000.3), dbSNP rs752510426, ClinGen allele CA761217257.